The following is an entry in ClinVar:

ClinVar aggregate classification (germline): Likely benign (1 of 4 stars; one submission).

Submission:

Women's Health and Genetics/Laboratory Corporation of America, LabCorp
Classification: Likely benign. Last evaluated: 2025-04-22. Review status: criteria provided, single submitter. Criteria: LabCorp Variant Classification Summary - May 2015. Collection method: clinical testing. Allele origin: germline.
Comment: Variant summary: CTNNA3 c.2160-5dupT alters a non-conserved nucleotide located at a position not widely known to affect splicing. Consensus agreement among computation tools predict no significant impact on normal splicing. However, these predictions have yet to be confirmed by functional studies. The variant was absent in 249470 control chromosomes. The available data on variant occurrences in the general population are insufficient to allow any conclusion about variant significance. To our knowledge, no occurrence of c.2160-5dupT in individuals affected with Arrhythmogenic Right Ventricular Dysplasia/Cardiomyopathy and no experimental evidence demonstrating its impact on protein function have been reported. No submitters have cited clinical-significance assessments for this variant to ClinVar. Based on the evidence outlined above, the variant was classified as likely benign.

NM_013266.4(CTNNA3):c.2160-5dup

Gene: CTNNA3 (catenin alpha 3; minus strand). Cytogenetic location: 10q21.3.
Variant type: Duplication.
Coding change: c.2160-5dup on transcript NM_013266.4 (MANE Select); 5 bases into the intron before coding-DNA position 2160, one base duplicated (T; older notation c.2160-5dupT).
Molecular consequence: intron variant.
Genome position (GRCh38, 1-based): chr10:65,988,802, A duplicated on the plus strand (T on the coding strand, the reverse complement: CTNNA3 is on the minus strand); the first of 7 consecutive A bases (chr10:65,988,802-65,988,808); duplicating any one gives the same sequence. VCF-style (leftmost placement, unchanged base first): chr10-65988801-G-GA. GRCh37 (hg19) VCF-style: chr10-67748559-G-GA.
Other names: c.2160-5dup (NM_001127384.3); c.2160-5dupT (NM_013266.4).
Identifiers: ClinVar variation 3896133 (VCV003896133.2).
Genomic context (GRCh38, chr10:65,988,801, plus strand): 5'-GATATCATTTTCGCTGCATAGATCACATCAGTTGTATGCTTTAGTGGTCCTTTGCCCCTG[G>GA]AAAAAAATTTATATATGTTAGCTGTGGTGTTCATGAGAAAATATATGTTAGCTACGATGG-3'